The following is an entry in ClinVar:

ClinVar aggregate classification (germline): Uncertain significance (1 of 4 stars; one submission).

Conditions:
Hereditary cancer-predisposing syndrome. Also called: Tumor predisposition; Hereditary Cancer Syndrome; Hereditary neoplastic syndrome; Neoplastic Syndromes, Hereditary. Identifiers: Orphanet 140162, MedGen C0027672, MeSH D009386, MONDO:0015356.

Submissions (2):

Color Diagnostics, LLC DBA Color Health
Classification: Uncertain significance for Hereditary cancer-predisposing syndrome. Last evaluated: 2022-02-28. Review status: criteria provided, single submitter. Criteria: ACMG Guidelines, 2015. Collection method: clinical testing. Allele origin: germline.
Comment: This missense variant replaces methionine with lysine at codon 1827 of the BRCA1 protein. Computational prediction suggests that this variant may not impact protein structure and function (internally defined REVEL score threshold <= 0.5, PMID: 27666373). This variant has been reported to be functional in a haploid cell proliferation assay (PMID: 30209399). This variant has not been identified in the general population by the Genome Aggregation Database (gnomAD). The available evidence is insufficient to determine the role of this variant in disease conclusively. Therefore, this variant is classified as a Variant of Uncertain Significance.

Brotman Baty Institute, University of Washington
No classification provided (evidence only). Condition: Breast-ovarian cancer, familial 1. Review status: no classification provided. Collection method: in vitro. Allele origin: not applicable. Functional consequence: functionally_normal. Not counted in ClinVar's aggregate classification.
ClinVar note: "not provided" was previously submitted as the classification for the variant. However, the classification appeared to be based only on an observation of functional data so it was converted to no classification on 2025-07-30.

Literature cited by the submitters: PubMed 30209399 (cited by Color Diagnostics, LLC DBA Color Health).

NM_007294.4(BRCA1):c.5480T>A (p.Met1827Lys)

Gene: BRCA1 (BRCA1 DNA repair associated; minus strand). Cytogenetic location: 17q21.31.
Variant type: single nucleotide variant.
Coding change: c.5480T>A on transcript NM_007294.4 (MANE Select); coding-DNA position 5480, T replaced by A.
Protein change: p.Met1827Lys; replaces methionine 1827 with lysine.
Molecular consequence: missense variant. On other transcripts: non-coding transcript variant (1).
Genome position (GRCh38, 1-based): chr17:43,045,790, A>T on the plus strand (T>A on the coding strand, the complement: BRCA1 is on the minus strand). VCF-style: chr17-43045790-A-T. GRCh37 (hg19) VCF-style: chr17-41197807-A-T.
Other names: c.5093T>A, p.Met1698Lys (NM_001407963.1); c.5018T>A, p.Met1673Lys (NM_001407964.1); c.4973T>A, p.Met1658Lys (NM_001407965.1); c.4592T>A, p.Met1531Lys (NM_001407966.1); c.4589T>A, p.Met1530Lys (NM_001407967.1); c.2876T>A, p.Met959Lys (NM_001407968.1); c.2873T>A, p.Met958Lys (NM_001407969.1); c.2237T>A, p.Met746Lys (NM_001407970.1, NM_001407971.1); and 83 more; short protein forms M1848K, M1827K, M723K, D698E, M1780K, D1754E, D1755E, M1531K.
Identifiers: ClinVar variation 864922 (VCV000864922.5), dbSNP rs2050886535, ClinGen allele CA10590362.